The following is an entry in ClinVar:

ClinVar aggregate classification (germline): Uncertain significance. Review status: criteria provided, multiple submitters, no conflicts (2 of 4 stars). 2 submissions from 2 submitters: Uncertain significance (2). Last evaluated 2024-03-10.

Conditions:
Spondylometaphyseal dysplasia - Sutcliffe type. Also called: Spondylometaphyseal Dysplasia, Corner Fracture Type; Sutcliffe type of spondylometaphyseal dysplasia; Sutcliffe SMD; Spondylometaphyseal dysplasia, 'corner fracture' type. Identifiers: Orphanet 93315, MedGen C0432221, MONDO:0008479, OMIM 184255.
Glomerulopathy with fibronectin deposits 2 (GFND2). Identifiers: Orphanet 84090, MedGen C1866075, MONDO:0011165, OMIM 601894.

Allele frequency attached by ClinVar (database versions not stated): TOPMed 0.00001; ExAC 0.00002; gnomAD exomes 0.00002; gnomAD 0.00003.

Submissions (2):

Fulgent Genetics
Classification: Uncertain significance for Spondylometaphyseal dysplasia - Sutcliffe type; Glomerulopathy with fibronectin deposits 2. Last evaluated: 2024-03-10. Review status: criteria provided, single submitter. Criteria: ACMG Guidelines, 2015. Collection method: clinical testing. Allele origin: germline.

Labcorp Genetics (formerly Invitae), Labcorp
Classification: Uncertain significance. Last evaluated: 2022-08-12. Review status: criteria provided, single submitter. Criteria: Invitae Variant Classification Sherloc (09022015). Collection method: clinical testing. Allele origin: germline.
Comment: In summary, the available evidence is currently insufficient to determine the role of this variant in disease. Therefore, it has been classified as a Variant of Uncertain Significance. Algorithms developed to predict the effect of missense changes on protein structure and function are either unavailable or do not agree on the potential impact of this missense change (SIFT: "Not Available"; PolyPhen-2: "Probably Damaging"; Align-GVGD: "Not Available"). This variant has not been reported in the literature in individuals affected with FN1-related conditions. This variant is present in population databases (rs772017194, gnomAD 0.01%). This sequence change replaces glycine, which is neutral and non-polar, with arginine, which is basic and polar, at codon 951 of the FN1 protein (p.Gly951Arg).

NM_212482.4(FN1):c.2851G>A (p.Gly951Arg)

Gene: FN1 (fibronectin 1; minus strand). Cytogenetic location: 2q35.
Variant type: single nucleotide variant.
Coding change: c.2851G>A on transcript NM_212482.4 (MANE Select); coding-DNA position 2851, G replaced by A.
Protein change: p.Gly951Arg; replaces glycine 951 with arginine.
Molecular consequence: missense variant.
Genome position (GRCh38, 1-based): chr2:215,406,373, C>T on the plus strand (G>A on the coding strand, the complement: FN1 is on the minus strand). VCF-style: chr2-215406373-C-T. GRCh37 (hg19) VCF-style: chr2-216271096-C-T.
Other names: c.2851G>A, p.Gly951Arg (NM_001306129.2, NM_001306130.2, NM_001306131.2 and 13 more transcripts); short protein forms G951R.
Identifiers: ClinVar variation 1985914 (VCV001985914.5), dbSNP rs772017194, ClinGen allele CA2094854.